The following is an entry in ClinVar:

ClinVar aggregate classification (germline): Uncertain significance (1 of 4 stars; one submission).

Conditions:
Cardiovascular phenotype. Identifiers: MedGen CN230736.

gnomAD v4.1: 3 of 1,614,056 alleles (0.00019%); highest among the groups gnomAD compares: African/African-American, 0.0013%; no homozygotes.

Submission:

Ambry Genetics
Classification: Uncertain significance for Cardiovascular phenotype. Last evaluated: 2025-02-06. Review status: criteria provided, single submitter. Criteria: Ambry Variant Classification Scheme 2023. Collection method: clinical testing. Allele origin: germline.
Comment: The p.S2213F variant (also known as c.6638C>T), located in coding exon 38 of the ANK2 gene, results from a C to T substitution at nucleotide position 6638. The serine at codon 2213 is replaced by phenylalanine, an amino acid with highly dissimilar properties. This amino acid position is conserved. In addition, this alteration is predicted to be deleterious by in silico analysis. Based on the available evidence, the clinical significance of this variant remains unclear.

NM_001148.6(ANK2):c.6638C>T (p.Ser2213Phe)

Gene: ANK2 (ankyrin 2; plus strand). Cytogenetic location: 4q26.
Variant type: single nucleotide variant.
Coding change: c.6638C>T on transcript NM_001148.6 (MANE Select); coding-DNA position 6638, C replaced by T.
Protein change: p.Ser2213Phe; replaces serine 2213 with phenylalanine.
Molecular consequence: missense variant. On other transcripts: intron variant (68).
Genome position (GRCh38, 1-based): chr4:113,355,256, C>T. VCF-style: chr4-113355256-C-T. GRCh37 (hg19) VCF-style: chr4-114276412-C-T.
Other names: c.6404C>T, p.Ser2135Phe (NM_001386142.1); c.3038C>T, p.Ser1013Phe (NM_001386166.1); c.6779C>T, p.Ser2260Phe (NM_001386174.1); c.6755C>T, p.Ser2252Phe (NM_001386175.1); c.4411+5007C>T (NM_001386186.2, NM_001386148.2); c.4213+5007C>T (NM_001354269.3); c.4291+5007C>T (NM_001386187.2); c.4252+5007C>T (NM_001386147.1); and 35 more; short protein forms S2252F, S2213F, S2260F, S1013F, S2135F.
Identifiers: ClinVar variation 3864192 (VCV003864192.1).